The following is an entry in ClinVar:

ClinVar aggregate classification (germline): Conflicting classifications of pathogenicity. Review status: criteria provided, conflicting classifications (1 of 4 stars). 2 submissions from 2 submitters: Pathogenic (1); Uncertain significance (1). Last evaluated 2025-08-29.

Conditions:
Intellectual disability, X-linked 49 (MRXSRC). Also called: MRX49; CLCN4-Related Neurodevelopmental Disorder; MENTAL RETARDATION, X-LINKED 15; CLCN4-related X-linked intellectual disability syndrome; RAYNAUD-CLAES SYNDROME. Identifiers: Orphanet 485350, Orphanet 777, MedGen C0796221, MONDO:0010250, OMIM 300114.

Submissions (2):

Labcorp Genetics (formerly Invitae), Labcorp
Classification: Pathogenic. Last evaluated: 2025-08-29. Review status: criteria provided, single submitter. Criteria: Invitae Variant Classification Sherloc (09022015). Collection method: clinical testing. Allele origin: germline.
Comment: This sequence change replaces proline, which is neutral and non-polar, with leucine, which is neutral and non-polar, at codon 226 of the CLCN4 protein (p.Pro226Leu). This variant is not present in population databases (gnomAD no frequency). This missense change has been observed in individual(s) with CLCN4-related conditions (PMID: 36385166). In at least one individual the variant was observed to be de novo. ClinVar contains an entry for this variant (Variation ID: 1691410). Invitae Evidence Modeling of protein sequence and biophysical properties (such as structural, functional, and spatial information, amino acid conservation, physicochemical variation, residue mobility, and thermodynamic stability) indicates that this missense variant is expected to disrupt CLCN4 protein function with a positive predictive value of 95%. For these reasons, this variant has been classified as Pathogenic.

Gene2Care/ Palmer Lab, University of New South Wales
Classification: Uncertain significance for Intellectual disability, X-linked 49. Last evaluated: 2022-05-27. Review status: criteria provided, single submitter. Criteria: ACMG Guidelines, 2015. Collection method: clinical testing. Allele origin: germline. Affected: yes.

Literature cited by the submitters: PubMed 36385166 (cited by Labcorp Genetics (formerly Invitae), Labcorp).

NM_001830.4(CLCN4):c.677C>T (p.Pro226Leu)

Gene: CLCN4 (Cl-/H+ antiporter 4; plus strand). Cytogenetic location: Xp22.2.
Variant type: single nucleotide variant.
Coding change: c.677C>T on transcript NM_001830.4 (MANE Select); coding-DNA position 677, C replaced by T.
Protein change: p.Pro226Leu; replaces proline 226 with leucine.
Molecular consequence: missense variant.
Genome position (GRCh38, 1-based): chrX:10,206,479, C>T. VCF-style: chrX-10206479-C-T. GRCh37 (hg19) VCF-style: chrX-10174519-C-T.
Other names: c.395C>T, p.Pro132Leu (NM_001256944.2); short protein forms P132L, P226L.
Identifiers: ClinVar variation 1691410 (VCV001691410.3), dbSNP rs2518884296, ClinGen allele CA412036755.